The following is an entry in ClinVar:

ClinVar aggregate classification (germline): Pathogenic. Review status: reviewed by expert panel (3 of 4 stars). 5 submissions from 5 submitters: Pathogenic (1). 4 of the submissions do not count toward it. Last evaluated 2016-09-08.

Conditions:
Hereditary breast ovarian cancer syndrome. Also called: Hereditary breast and ovarian cancer syndrome; Hereditary breast and ovarian cancer; Hereditary breast and ovarian cancer syndrome (HBOC); Breast and ovarian cancer; Hereditary breast and/or ovarian cancer syndrome; BRCA1- and BRCA2-Associated Hereditary Breast and Ovarian Cancer. Identifiers: Orphanet 145, MedGen C0677776, MeSH D061325, MONDO:0003582. Disease mechanism: loss of function.
Breast-ovarian cancer, familial, susceptibility to, 2 (BROVCA2). Also called: BRCA2 Hereditary Breast and Ovarian Cancer. Identifiers: Orphanet 145, MedGen C2675520, MONDO:0012933, OMIM 612555. Disease mechanism: loss of function.
Hereditary cancer-predisposing syndrome. Also called: Neoplastic Syndromes, Hereditary; Tumor predisposition; Hereditary neoplastic syndrome; Hereditary Cancer Syndrome. Identifiers: Orphanet 140162, MedGen C0027672, MeSH D009386, MONDO:0015356.

Submissions (5):

Evidence-based Network for the Interpretation of Germline Mutant Alleles (ENIGMA)
Classification: Pathogenic for Breast-ovarian cancer, familial, susceptibility to, 2. Last evaluated: 2016-09-08. Review status: reviewed by expert panel. Criteria: ENIGMA BRCA1/2 Classification Criteria (2015). Collection method: curation. Allele origin: germline.
Comment: Variant allele predicted to encode a truncated non-functional protein.

Consortium of Investigators of Modifiers of BRCA1/2 (CIMBA), c/o University of Cambridge
Classification: Pathogenic for Breast-ovarian cancer, familial, susceptibility to, 2. Last evaluated: 2015-10-02. Review status: criteria provided, single submitter. Criteria: CIMBA Mutation Classification guidelines May 2016. Collection method: clinical testing. Allele origin: germline. Not counted in ClinVar's aggregate classification.

Ambry Genetics
Classification: Pathogenic for Hereditary cancer-predisposing syndrome. Last evaluated: 2015-08-05. Review status: criteria provided, single submitter. Criteria: Ambry Variant Classification Scheme 2023. Collection method: clinical testing. Allele origin: germline. Not counted in ClinVar's aggregate classification.
Comment: The c.9069_9076delTAACATAC pathogenic mutation (also known as 9297del8), located in coding exon 22 of the BRCA2 gene, results from a deletion of 8 nucleotides between positions 9069 and 9076, causing a translational frameshift with a predicted alternate stop codon. This mutation (referred to as 9297del8) was seen once in a cohort of 107 families from Scotland and Northern Ireland suspected to have BRCA1/2 mutations (Br. J. Cancer 2003 Apr; 88(8):1256-62). In addition to the clinical data presented in the literature, since frameshifts are typically deleterious in nature, this alteration is interpreted as a disease-causing mutation (ACMG Recommendations for Standards for Interpretation and Reporting of Sequence Variations. Revision 2007. Genet Med. 2008;10:294).

Research Molecular Genetics Laboratory, Women's College Hospital, University of Toronto
Classification: Pathogenic for Hereditary breast ovarian cancer syndrome. Last evaluated: 2014-01-31. Review status: no assertion criteria provided. Collection method: research. Allele origin: germline. Affected: yes. Study: The Canadian Open Genetics Repository (COGR). Not counted in ClinVar's aggregate classification.

Breast Cancer Information Core (BIC) (BRCA2)
Classification: Pathogenic for Breast-ovarian cancer, familial 2. Review status: no assertion criteria provided. Collection method: clinical testing. Allele origin: germline. Affected: yes. Observed: 1 variant allele. Not counted in ClinVar's aggregate classification.

Literature cited by the submitters: PubMed 12698193 (cited by Ambry Genetics).

NM_000059.4(BRCA2):c.9069_9076del (p.Asn3024fs)

Gene: BRCA2 (BRCA2 DNA repair associated; plus strand). Cytogenetic location: 13q13.1.
Variant type: Deletion.
Coding change: c.9069_9076del on transcript NM_000059.4 (MANE Select); coding-DNA positions 9069 to 9076, 8 bases deleted (TAACATAC; older notation c.9069_9076delTAACATAC).
Protein change: p.Asn3024fs; shifts the reading frame from asparagine 3024.
Molecular consequence: frameshift variant.
Genome position (GRCh38, 1-based): chr13:32,379,865-32,379,872, TAACATAC deleted; deleting any 8 consecutive bases within chr13:32,379,864-32,379,872 gives the same sequence; the c. name uses the placement nearest the transcript's 3' end. VCF-style (leftmost placement, unchanged base first): chr13-32379863-GCTAACATA-G. GRCh37 (hg19) VCF-style: chr13-32954000-GCTAACATA-G.
Other names: 9297del8; c.9069_9076delTAACATAC (NM_000059.3).
Identifiers: ClinVar variation 52739 (VCV000052739.9), dbSNP rs80359746, ClinGen allele CA025957.
Genomic context (GRCh38, chr13:32,379,863, plus strand): 5'-GGAAAGAGATACAGAATTTATCATCTTGCAACTTCAAAATCTAAAAGTAAATCTGAAAGA[GCTAACATA>G]CAGTTAGCAGCGACAAAAAAAACTCAGTATCAACAACTACCGGTACAAACCTTTCATTGT-3'